The following is an entry in ClinVar:

ClinVar aggregate classification (germline): Pathogenic/Likely pathogenic. Review status: criteria provided, multiple submitters, no conflicts (2 of 4 stars). 3 submissions from 3 submitters: Pathogenic (2); Likely pathogenic (1). Last evaluated 2025-08-25.

Conditions:
Vici syndrome (VICIS). Identifiers: Orphanet 1493, MedGen C1855772, MONDO:0009452, OMIM 242840.

Submissions (3):

Daryl Scott Lab, Baylor College of Medicine
Classification: Pathogenic for Vici syndrome. Last evaluated: 2025-08-25. Review status: criteria provided, single submitter. Criteria: ACMG Guidelines, 2015. Collection method: clinical testing. Allele origin: unknown. Affected: yes.
Comment: PVS1, PM2

Baylor Genetics
Classification: Pathogenic for Vici syndrome. Last evaluated: 2019-07-17. Review status: criteria provided, single submitter. Criteria: ACMG Guidelines, 2015. Collection method: clinical testing. Allele origin: unknown. Affected: yes.
Comment: This variant was determined to be pathogenic according to ACMG Guidelines, 2015 [PMID:25741868].

SIB Swiss Institute of Bioinformatics
Classification: Likely pathogenic for Vici syndrome. Last evaluated: 2019-01-17. Review status: criteria provided, single submitter. Criteria: ACMG Guidelines, 2015. Collection method: curation. Allele origin: unknown.
Comment: This variant is interpreted as a Likely pathogenic for Vici syndrome, autosomal recessive. The following ACMG Tag(s) were applied: PM2 => Absent from controls (or at extremely low frequency if recessive) in Exome Sequencing Project, 1000 Genomes Project, or Exome Aggregation Consortium. PVS1 => Predicted nullvariant in a gene where LOF is a known mechanism of disease..

ClinGen:CA402336873

Literature cited by the submitters: PubMed 23222957 (cited by SIB Swiss Institute of Bioinformatics).

NM_020964.3(EPG5):c.4751T>A (p.Leu1584Ter)

Gene: EPG5 (ectopic P-granules 5 autophagy tethering factor; minus strand). Cytogenetic location: 18q12.3.
Variant type: single nucleotide variant.
Coding change: c.4751T>A on transcript NM_020964.3 (MANE Select); coding-DNA position 4751, T replaced by A.
Protein change: p.Leu1584Ter; replaces leucine 1584 with a stop codon.
Molecular consequence: nonsense.
Genome position (GRCh38, 1-based): chr18:45,899,462, A>T on the plus strand (T>A on the coding strand, the complement: EPG5 is on the minus strand). VCF-style: chr18-45899462-A-T. GRCh37 (hg19) VCF-style: chr18-43479427-A-T.
Other names: c.4751T>A, p.Leu1584Ter (LRG_1234t1); short protein forms L1584*.
Identifiers: ClinVar variation 626245 (VCV000626245.4), dbSNP rs1568133760, ClinGen allele CA402336873.